The following is an entry in ClinVar:

NM_005327.7(HADH):c.15C>T (p.Thr5=)

Gene: HADH (hydroxyacyl-CoA dehydrogenase; plus strand). Cytogenetic location: 4q25.
Variant type: single nucleotide variant.
Coding change: c.15C>T on transcript NM_005327.7 (MANE Select); coding-DNA position 15, C replaced by T.
Protein change: p.Thr5=; no amino-acid change (threonine 5 retained).
Molecular consequence: synonymous variant.
Genome position (GRCh38, 1-based): chr4:107,989,947, C>T. VCF-style: chr4-107989947-C-T. GRCh37 (hg19) VCF-style: chr4-108911103-C-T.
Other names: c.15C>T, p.Thr5= (NM_001184705.4).
Identifiers: ClinVar variation 3029497 (VCV003029497.2), dbSNP rs1734719512, ClinGen allele CA440817683.

ClinVar aggregate classification (germline): Likely benign (0 of 4 stars; one submission).

Conditions:
HADH-related disorder. Also called: HADH-related condition.

Allele frequency attached by ClinVar (database versions not stated): gnomAD exomes below 0.00001; TOPMed below 0.00001.
gnomAD v4.1: 1 of 1,612,952 alleles (0.000062%); highest among the groups gnomAD compares: Non-Finnish European, 0.000085%; no homozygotes.

Submission:

PreventionGenetics, part of Exact Sciences
Classification: Likely benign for HADH-related condition. Last evaluated: 2021-09-10. Review status: no assertion criteria provided. Collection method: clinical testing. Allele origin: germline.
Comment: This variant is classified as likely benign based on ACMG/AMP sequence variant interpretation guidelines (Richards et al. 2015 PMID: 25741868, with internal and published modifications).